The following is an entry in ClinVar:

NM_001278293.3(ARL6):c.1A>G (p.Met1Val)

Gene: ARL6 (ARF like GTPase 6; plus strand). Cytogenetic location: 3q11.2.
Variant type: single nucleotide variant.
Coding change: c.1A>G on transcript NM_001278293.3 (MANE Select); coding-DNA position 1, A replaced by G.
Protein change: p.Met1Val; changes the start codon (methionine 1).
Molecular consequence: missense variant, initiator codon variant. On other transcripts: non-coding transcript variant (7).
Genome position (GRCh38, 1-based): chr3:97,768,108, A>G. VCF-style: chr3-97768108-A-G. GRCh37 (hg19) VCF-style: chr3-97486952-A-G.
Other names: c.1A>G, p.Met1Val (NM_001323513.2, NM_001323514.2, NM_032146.5 and 1 more transcripts); short protein forms M1V.
Identifiers: ClinVar variation 1446585 (VCV001446585.6), dbSNP rs2107977736, ClinGen allele CA353581718.

ClinVar aggregate classification (germline): Pathogenic (1 of 4 stars; one submission).

Conditions:
Bardet-Biedl syndrome 3 (BBS3). Identifiers: Orphanet 110, MedGen C1859564, MONDO:0010832, OMIM 600151.
Retinitis pigmentosa 55 (RP55). Identifiers: Orphanet 791, MedGen C3150808, MONDO:0013312, OMIM 613575.

Submission:

Labcorp Genetics (formerly Invitae), Labcorp
Classification: Pathogenic for Retinitis pigmentosa 55; Bardet-Biedl syndrome 3. Last evaluated: 2022-09-27. Review status: criteria provided, single submitter. Criteria: Invitae Variant Classification Sherloc (09022015). Collection method: clinical testing. Allele origin: germline.
Comment: For these reasons, this variant has been classified as Pathogenic. This variant disrupts a region of the ARL6 protein in which other variant(s) (p.Thr31Arg) have been determined to be pathogenic (PMID: 15314642, 19236846). This suggests that this is a clinically significant region of the protein, and that variants that disrupt it are likely to be disease-causing. ClinVar contains an entry for this variant (Variation ID: 1446585). This variant has not been reported in the literature in individuals affected with ARL6-related conditions. This variant is not present in population databases (gnomAD no frequency). This sequence change affects the initiator methionine of the ARL6 mRNA. The next in-frame methionine is located at codon 70.

Literature cited by the submitters: PubMed 15314642; PubMed 19236846.